The following is an entry in ClinVar:

ClinVar aggregate classification (germline): Uncertain significance. Review status: criteria provided, multiple submitters, no conflicts (2 of 4 stars). 3 submissions from 3 submitters: Uncertain significance (3). Last evaluated 2023-09-29.

Conditions:
Congenital myasthenic syndrome 9. Also called: Myasthenic syndrome, congenital, 9, associated with acetylcholine receptor deficiency. Identifiers: Orphanet 590, MedGen C4225368, MONDO:0014587, OMIM 616325.
Fetal akinesia deformation sequence 1 (FADS1). Also called: Pena-Shokeir syndrome type I; Fetal akinesia sequence. Identifiers: Orphanet 994, MedGen C1276035, MONDO:0100101, OMIM 208150, HP:0001989.
Inborn genetic diseases. Identifiers: MedGen C0950123, MeSH D030342.

Allele frequency attached by ClinVar (database versions not stated): TOPMed 0.00003.
gnomAD v4.1: 74 of 1,514,038 alleles (0.0049%); highest among the groups gnomAD compares: Middle Eastern, 0.034%; 1 homozygote.

Submissions (3):

Ambry Genetics
Classification: Uncertain significance for Inborn genetic diseases. Last evaluated: 2023-09-29. Review status: criteria provided, single submitter. Criteria: Ambry Variant Classification Scheme 2023. Collection method: clinical testing. Allele origin: germline.

Labcorp Genetics (formerly Invitae), Labcorp
Classification: Uncertain significance for Congenital myasthenic syndrome 9; Fetal akinesia deformation sequence 1. Last evaluated: 2022-08-24. Review status: criteria provided, single submitter. Criteria: Invitae Variant Classification Sherloc (09022015). Collection method: clinical testing. Allele origin: germline.
Comment: This sequence change replaces arginine, which is basic and polar, with histidine, which is basic and polar, at codon 125 of the MUSK protein (p.Arg125His). The frequency data for this variant in the population databases is considered unreliable, as metrics indicate poor data quality at this position in the gnomAD database. This variant has not been reported in the literature in individuals affected with MUSK-related conditions. ClinVar contains an entry for this variant (Variation ID: 542747). Advanced modeling of protein sequence and biophysical properties (such as structural, functional, and spatial information, amino acid conservation, physicochemical variation, residue mobility, and thermodynamic stability) performed at Invitae indicates that this missense variant is expected to disrupt MUSK protein function. In summary, the available evidence is currently insufficient to determine the role of this variant in disease. Therefore, it has been classified as a Variant of Uncertain Significance.

Illumina Laboratory Services, Illumina
Classification: Uncertain significance for Congenital myasthenic syndrome 9. Last evaluated: 2018-01-12. Review status: criteria provided, single submitter. Criteria: ICSL Variant Classification Criteria 13 December 2019. Collection method: clinical testing. Allele origin: germline.

NM_005592.4(MUSK):c.374G>A (p.Arg125His)

Gene: MUSK (muscle associated receptor tyrosine kinase; plus strand). Cytogenetic location: 9q31.3.
Variant type: single nucleotide variant.
Coding change: c.374G>A on transcript NM_005592.4 (MANE Select); coding-DNA position 374, G replaced by A.
Protein change: p.Arg125His; replaces arginine 125 with histidine.
Molecular consequence: missense variant.
Genome position (GRCh38, 1-based): chr9:110,695,418, G>A. VCF-style: chr9-110695418-G-A. GRCh37 (hg19) VCF-style: chr9-113457698-G-A.
Other names: c.374G>A, p.Arg125His (NM_001166280.2, NM_001166281.2); short protein forms R125H.
Identifiers: ClinVar variation 542747 (VCV000542747.11), dbSNP rs375737188, ClinGen allele CA5184005.